The following is an entry in ClinVar:

NM_025193.4(HSD3B7):c.415G>A (p.Gly139Ser)

Gene: HSD3B7 (hydroxy-delta-5-steroid dehydrogenase, 3 beta- and steroid delta-isomerase 7; plus strand). Cytogenetic location: 16p11.2.
Variant type: single nucleotide variant.
Coding change: c.415G>A on transcript NM_025193.4 (MANE Select); coding-DNA position 415, G replaced by A.
Protein change: p.Gly139Ser; replaces glycine 139 with serine.
Molecular consequence: missense variant.
Genome position (GRCh38, 1-based): chr16:30,986,515, G>A. VCF-style: chr16-30986515-G-A. GRCh37 (hg19) VCF-style: chr16-30997836-G-A.
Other names: c.415G>A, p.Gly139Ser (NM_001142777.2, NM_001142778.2); short protein forms G139S.
Identifiers: ClinVar variation 4978834 (VCV004978834.1).
Genomic context (GRCh38, chr16:30,986,515, plus strand): 5'-ACCGGAACACGGTTCCTGGTCTACACCAGCAGCATGGAAGTTGTGGGGCCTAACACCAAA[G>A]GTCACCCCTTCTACAGGTGAGTGGCAGGCCCTCTTGTCCTCTAAGAGCCCATTTCCCTCA-3'
Protein context (NP_079469.2, residues 129-149): SMEVVGPNTK[Gly139Ser]HPFYRGNEDT

ClinVar aggregate classification (germline): Uncertain significance (1 of 4 stars; one submission).

Conditions:
HSD3B7-related disorder. Also called: HSD3B7-related condition.

gnomAD v4.1: 30 of 1,613,942 alleles (0.0019%); highest among the groups gnomAD compares: African/African-American, 0.008%; no homozygotes.

Submission:

PreventionGenetics, part of Exact Sciences
Classification: Uncertain significance for HSD3B7-related condition. Last evaluated: 2025-07-23. Review status: criteria provided, single submitter. Criteria: ACMG Guidelines, 2015. Collection method: clinical testing. Allele origin: germline.
Comment: The HSD3B7 c.415G>A variant is predicted to result in the amino acid substitution p.Gly139Ser. To our knowledge, this variant has not been reported in the literature. This variant is reported in 0.012% of alleles in individuals of African descent in gnomAD. At this time, the clinical significance of this variant is uncertain due to the absence of conclusive functional and genetic evidence.